The following is an entry in ClinVar:

ClinVar aggregate classification (germline): Uncertain significance (1 of 4 stars; one submission).

Conditions:
Atrial fibrillation, familial, 7 (ATFB7). Identifiers: MedGen C2677106, MONDO:0012828, OMIM 612240.

gnomAD v4.1: 5 of 1,614,040 alleles (0.00031%); highest among the groups gnomAD compares: Non-Finnish European, 0.00042%; no homozygotes.

Submission:

Labcorp Genetics (formerly Invitae), Labcorp
Classification: Uncertain significance for Atrial fibrillation, familial, 7. Last evaluated: 2023-12-03. Review status: criteria provided, single submitter. Criteria: Invitae Variant Classification Sherloc (09022015). Collection method: clinical testing. Allele origin: germline.
Comment: This sequence change replaces lysine, which is basic and polar, with asparagine, which is neutral and polar, at codon 585 of the KCNA5 protein (p.Lys585Asn). This variant is not present in population databases (gnomAD no frequency). This variant has not been reported in the literature in individuals affected with KCNA5-related conditions. An algorithm developed to predict the effect of missense changes on protein structure and function (PolyPhen-2) suggests that this variant is likely to be disruptive. In summary, the available evidence is currently insufficient to determine the role of this variant in disease. Therefore, it has been classified as a Variant of Uncertain Significance.

NM_002234.4(KCNA5):c.1755G>C (p.Lys585Asn)

Gene: KCNA5 (potassium voltage-gated channel subfamily A member 5; plus strand). Cytogenetic location: 12p13.32.
Variant type: single nucleotide variant.
Coding change: c.1755G>C on transcript NM_002234.4 (MANE Select); coding-DNA position 1755, G replaced by C.
Protein change: p.Lys585Asn; replaces lysine 585 with asparagine.
Molecular consequence: missense variant.
Genome position (GRCh38, 1-based): chr12:5,045,902, G>C. VCF-style: chr12-5045902-G-C. GRCh37 (hg19) VCF-style: chr12-5155068-G-C.
Other names: short protein forms K585N.
Identifiers: ClinVar variation 2693074 (VCV002693074.3), dbSNP rs2497481495, ClinGen allele CA383467147.